The following is an entry in ClinVar:

ClinVar aggregate classification (germline): Uncertain significance. Review status: criteria provided, multiple submitters, no conflicts (2 of 4 stars). 3 submissions from 3 submitters: Uncertain significance (3). Last evaluated 2026-08-23.

Conditions:
RIPOR2-related disorder. Also called: RIPOR2-related condition.

Allele frequency attached by ClinVar (database versions not stated): gnomAD exomes 0.00005 and 0.00014; gnomAD 0.00011 and 0.00013; TOPMed 0.00013; 1000 Genomes Project 30x 0.00047.
gnomAD v4.1: 90 of 1,551,078 alleles (0.0058%); highest among the groups gnomAD compares: East Asian, 0.18%; 1 homozygote.

Submissions (3):

PreventionGenetics, part of Exact Sciences
Classification: Uncertain significance for RIPOR2-related condition. Last evaluated: 2026-08-23. Review status: criteria provided, single submitter. Criteria: ACMG Guidelines, 2015. Collection method: clinical testing. Allele origin: germline.
Comment: The RIPOR2 c.2533A>T variant is predicted to result in the amino acid substitution p.Thr845Ser. This variant was reported along with a second potentially causative variant in an individual with kidney disease (Table S1, Chen et al. 2023. PubMed ID: 37248651). This variant is reported in 0.18% of alleles in individuals of East Asian descent in gnomAD, including one homozygote in the larger gnomAD v4.1.1 database. Although we suspect that this variant may be benign, at this time, the clinical significance of this variant is uncertain due to the absence of conclusive functional and genetic evidence.

Labcorp Genetics (formerly Invitae), Labcorp
Classification: Uncertain significance. Last evaluated: 2025-02-26. Review status: criteria provided, single submitter. Criteria: Invitae Variant Classification Sherloc (09022015). Collection method: clinical testing. Allele origin: germline.
Comment: This sequence change replaces threonine, which is neutral and polar, with serine, which is neutral and polar, at codon 845 of the FAM65B protein (p.Thr845Ser). This variant is present in population databases (no rsID available, gnomAD 0.2%), and has an allele count higher than expected for a pathogenic variant. This variant has not been reported in the literature in individuals affected with FAM65B-related conditions. ClinVar contains an entry for this variant (Variation ID: 1680488). An algorithm developed to predict the effect of missense changes on protein structure and function outputs the following: PolyPhen-2: "Benign". The serine amino acid residue is found in multiple mammalian species, which suggests that this missense change does not adversely affect protein function. In summary, the available evidence is currently insufficient to determine the role of this variant in disease. Therefore, it has been classified as a Variant of Uncertain Significance.

Ambry Genetics
Classification: Uncertain significance. Last evaluated: 2023-11-21. Review status: criteria provided, single submitter. Criteria: Ambry Variant Classification Scheme 2023. Collection method: clinical testing. Allele origin: germline.

NM_001286445.3(RIPOR2):c.2470A>T (p.Thr824Ser)

Gene: RIPOR2 (RHO family interacting cell polarization regulator 2; minus strand). Cytogenetic location: 6p22.3.
Variant type: single nucleotide variant.
Coding change: c.2470A>T on transcript NM_001286445.3 (MANE Select); coding-DNA position 2470, A replaced by T.
Protein change: p.Thr824Ser; replaces threonine 824 with serine.
Molecular consequence: missense variant.
Genome position (GRCh38, 1-based): chr6:24,830,545, T>A on the plus strand (A>T on the coding strand, the complement: RIPOR2 is on the minus strand). VCF-style: chr6-24830545-T-A. GRCh37 (hg19) VCF-style: chr6-24830773-T-A.
Other names: c.2533A>T (NM_014722.4, NM_014722.2); c.2383A>T, p.Thr795Ser (NM_001346031.2, NM_001346032.2); c.2533A>T, p.Thr845Ser (NM_014722.5); short protein forms T795S, T824S, T845S.
Identifiers: ClinVar variation 1680488 (VCV001680488.10), dbSNP rs1329296569, ClinGen allele CA362989944.